The following is an entry in ClinVar:

ClinVar aggregate classification (germline): Uncertain significance (1 of 4 stars; one submission).

Conditions:
Hereditary cancer-predisposing syndrome. Also called: Tumor predisposition; Hereditary neoplastic syndrome; Hereditary Cancer Syndrome; Neoplastic Syndromes, Hereditary. Identifiers: Orphanet 140162, MedGen C0027672, MeSH D009386, MONDO:0015356.

Submission:

Ambry Genetics
Classification: Uncertain significance for Hereditary cancer-predisposing syndrome. Last evaluated: 2025-06-07. Review status: criteria provided, single submitter. Criteria: Ambry Variant Classification Scheme 2023. Collection method: clinical testing. Allele origin: germline.
Comment: The p.L1255W variant (also known as c.3764T>G), located in coding exon 30 of the POLE gene, results from a T to G substitution at nucleotide position 3764. The leucine at codon 1255 is replaced by tryptophan, an amino acid with similar properties. This amino acid position is conserved. In addition, the in silico prediction for this alteration is inconclusive. Based on the available evidence, the clinical significance of this variant remains unclear.

NM_006231.4(POLE):c.3764T>G (p.Leu1255Trp)

Gene: POLE (DNA polymerase epsilon, catalytic subunit; minus strand). Cytogenetic location: 12q24.33.
Variant type: single nucleotide variant.
Coding change: c.3764T>G on transcript NM_006231.4 (MANE Select); coding-DNA position 3764, T replaced by G.
Protein change: p.Leu1255Trp; replaces leucine 1255 with tryptophan.
Molecular consequence: missense variant.
Genome position (GRCh38, 1-based): chr12:132,649,708, A>C on the plus strand (T>G on the coding strand, the complement: POLE is on the minus strand). VCF-style: chr12-132649708-A-C. GRCh37 (hg19) VCF-style: chr12-133226294-A-C.
Other names: short protein forms L1255W.
Identifiers: ClinVar variation 3935790 (VCV003935790.1).